The following is an entry in ClinVar:

ClinVar aggregate classification (germline): Likely benign. Review status: criteria provided, multiple submitters, no conflicts (2 of 4 stars). 2 submissions from 2 submitters: Likely benign (2). Last evaluated 2024-08-14.

Submissions (2):

Blueprint Genetics
Classification: Likely benign. Last evaluated: 2024-08-14. Review status: criteria provided, single submitter. Criteria: ACMG Guidelines, 2015. Collection method: clinical testing. Allele origin: germline.

CeGaT Center for Human Genetics Tuebingen
Classification: Likely benign. Last evaluated: 2023-11-01. Review status: criteria provided, single submitter. Criteria: CeGaT Center For Human Genetics Tuebingen Variant Classification Criteria Version 2. Collection method: clinical testing. Allele origin: germline. Affected: yes. Observed: 1 variant allele.
Comment: PCK1: BP4, BP7

NM_002591.4(PCK1):c.522G>C (p.Thr174=)

Gene: PCK1 (phosphoenolpyruvate carboxykinase 1; plus strand). Cytogenetic location: 20q13.31.
Variant type: single nucleotide variant.
Coding change: c.522G>C on transcript NM_002591.4 (MANE Select); coding-DNA position 522, G replaced by C.
Protein change: p.Thr174=; no amino-acid change (threonine 174 retained).
Molecular consequence: synonymous variant.
Genome position (GRCh38, 1-based): chr20:57,562,811, G>C. VCF-style: chr20-57562811-G-C. GRCh37 (hg19) VCF-style: chr20-56137867-G-C.
Identifiers: ClinVar variation 2652430 (VCV002652430.25), dbSNP rs764055938, ClinGen allele CA511310886.
Genomic context (GRCh38, chr20:57,562,811, plus strand): 5'-AAAGATCGGCATCGAGCTGACGGATTCACCCTACGTGGTGGCCAGCATGCGGATCATGAC[G>C]CGGATGGGCACGCCCGTCCTGGAAGCAGTGGGCGATGGGGAGTTTGTCAAATGCCTCCAT-3'
Protein context (NP_002582.3, residues 164-184): PYVVASMRIM[Thr174=]RMGTPVLEAV